The following is an entry in ClinVar:

NM_173628.4(DNAH17):c.1689C>T (p.Tyr563=)

Gene: DNAH17 (dynein axonemal heavy chain 17; minus strand). Cytogenetic location: 17q25.3.
Variant type: single nucleotide variant.
Coding change: c.1689C>T on transcript NM_173628.4 (MANE Select); coding-DNA position 1689, C replaced by T.
Protein change: p.Tyr563=; no amino-acid change (tyrosine 563 retained).
Molecular consequence: synonymous variant.
Genome position (GRCh38, 1-based): chr17:78,561,861, G>A on the plus strand (C>T on the coding strand, the complement: DNAH17 is on the minus strand). VCF-style: chr17-78561861-G-A. GRCh37 (hg19) VCF-style: chr17-76557943-G-A.
Identifiers: ClinVar variation 1221379 (VCV001221379.6), dbSNP rs1108366, ClinGen allele CA8805054.

ClinVar aggregate classification (germline): Benign. Review status: criteria provided, multiple submitters, no conflicts (2 of 4 stars). 3 submissions from 3 submitters: Benign (2). 1 of the submissions does not count toward it. Last evaluated 2021-05-04.

Conditions:
DNAH17-related disorder. Also called: DNAH17-related condition.

Allele frequency attached by ClinVar (database versions not stated): ESP Exome Variant Server 0.12779; gnomAD 0.12980 and 0.13187; 1000 Genomes Project 30x 0.14038; 1000 Genomes Project 0.14117; ExAC 0.15365.
gnomAD v4.1: 262,549 of 1,613,754 alleles (16%); highest among the groups gnomAD compares: East Asian, 29%; 22,991 homozygotes.

Submissions (3):

GeneDx
Classification: Benign. Last evaluated: 2021-05-04. Review status: criteria provided, single submitter. Criteria: GeneDx Variant Classification Process June 2021. Collection method: clinical testing. Allele origin: germline. Affected: yes.

Breakthrough Genomics
Classification: Benign. Review status: criteria provided, single submitter. Criteria: ACMG Guidelines, 2015. Collection method: not provided. Allele origin: germline. Inheritance: Autosomal recessive inheritance. Affected: yes.

PreventionGenetics, part of Exact Sciences
Classification: Benign for DNAH17-related condition. Last evaluated: 2019-10-17. Review status: no assertion criteria provided. Collection method: clinical testing. Allele origin: germline. Not counted in ClinVar's aggregate classification.
Comment: This variant is classified as benign based on ACMG/AMP sequence variant interpretation guidelines (Richards et al. 2015 PMID: 25741868, with internal and published modifications).